The following is an entry in ClinVar:

ClinVar aggregate classification (germline): Likely pathogenic (1 of 4 stars; one submission).

Conditions:
Dilated cardiomyopathy 1G (CMD1G). Identifiers: Orphanet 154, MedGen C1858763, MONDO:0011400, OMIM 604145.
Autosomal recessive limb-girdle muscular dystrophy type 2J (LGMDR10). Also called: Limb-girdle muscular dystrophy, type 2J; MUSCULAR DYSTROPHY, LIMB-GIRDLE, AUTOSOMAL RECESSIVE 10. Identifiers: Orphanet 140922, MedGen C1837342, MONDO:0012127, OMIM 608807.

Submission:

Labcorp Genetics (formerly Invitae), Labcorp
Classification: Likely pathogenic for Dilated cardiomyopathy 1G; Autosomal recessive limb-girdle muscular dystrophy type 2J. Last evaluated: 2024-10-29. Review status: criteria provided, single submitter. Criteria: Invitae Variant Classification Sherloc (09022015). Collection method: clinical testing. Allele origin: germline.
Comment: This sequence change creates a premature translational stop signal (p.Glu29392Lysfs*9) in the TTN gene. While this is not anticipated to result in nonsense mediated decay, it is expected to create a truncated TTN protein. This variant is not present in population databases (gnomAD no frequency). This variant has not been reported in the literature in individuals affected with TTN-related conditions. This variant is located in the A band of TTN (PMID: 25589632). Truncating variants in this region are significantly overrepresented in patients affected with dilated cardiomyopathy (PMID: 25589632). Truncating variants in this region have also been reported in individuals affected with autosomal recessive centronuclear myopathy (PMID: 23975875). In summary, the currently available evidence indicates that the variant is pathogenic, but additional data are needed to prove that conclusively. Therefore, this variant has been classified as Likely Pathogenic.

Literature cited by the submitters: PubMed 25589632; PubMed 23975875.

NM_001267550.2(TTN):c.88173del (p.Glu29392fs)

Genes: TTN-AS1 (TTN antisense RNA 1; plus strand), TTN (titin; minus strand). Cytogenetic location: 2q31.2.
Variant type: Deletion.
Coding change: c.88173del on transcript NM_001267550.2 (MANE Select); coding-DNA position 88173, one base deleted (T; older notation c.88173delT).
Protein change: p.Glu29392fs; shifts the reading frame from glutamic acid 29392.
Molecular consequence: frameshift variant.
Genome position (GRCh38, 1-based): chr2:178,556,981, A deleted on the plus strand (T on the coding strand, the reverse complement: TTN is on the minus strand). VCF-style (leftmost placement, unchanged base first): chr2-178556980-CA-C. GRCh37 (hg19) VCF-style: chr2-179421707-CA-C.
Other names: c.83250del, p.Glu27751fs (NM_001256850.1); c.60978del, p.Glu20327fs (NM_003319.4); c.80469del, p.Glu26824fs (NM_133378.4); c.61353del, p.Glu20452fs (NM_133432.3); c.61554del, p.Glu20519fs (NM_133437.4); short protein forms E20327fs, E20452fs, E20519fs, E26824fs, E27751fs, E29392fs.
Identifiers: ClinVar variation 3759613 (VCV003759613.2).